The following is an entry in ClinVar:

NM_000363.5(TNNI3):c.225T>G (p.Ala75=)

Gene: TNNI3 (troponin I3, cardiac type; minus strand). Cytogenetic location: 19q13.42.
Variant type: single nucleotide variant.
Coding change: c.225T>G on transcript NM_000363.5 (MANE Select); coding-DNA position 225, T replaced by G.
Protein change: p.Ala75=; no amino-acid change (alanine 75 retained).
Molecular consequence: synonymous variant.
Genome position (GRCh38, 1-based): chr19:55,156,258, A>C on the plus strand (T>G on the coding strand, the complement: TNNI3 is on the minus strand). VCF-style: chr19-55156258-A-C. GRCh37 (hg19) VCF-style: chr19-55667626-A-C.
Other names: c.225T>G (LRG_432t1).
Identifiers: ClinVar variation 516986 (VCV000516986.1), dbSNP rs1555864028, ClinGen allele CA508989572.

ClinVar aggregate classification (germline): Likely benign (1 of 4 stars; one submission).

Allele frequency attached by ClinVar (database versions not stated): gnomAD exomes below 0.00001.

Submission:

GeneDx
Classification: Likely benign. Last evaluated: 2017-08-25. Review status: criteria provided, single submitter. Criteria: GeneDx Variant Classification (06012015). Collection method: clinical testing. Allele origin: germline. Affected: yes.
Comment: This variant is considered likely benign or benign based on one or more of the following criteria: it is a conservative change, it occurs at a poorly conserved position in the protein, it is predicted to be benign by multiple in silico algorithms, and/or has population frequency not consistent with disease.